The following is an entry in ClinVar:

ClinVar aggregate classification (germline): Uncertain significance (1 of 4 stars; one submission).

Conditions:
Leigh syndrome (NULS). Also called: Leigh's necrotizing encephalopathy; Leigh's disease; Leigh Syndrome (mtDNA deletion); Leigh Disease; Subacute necrotizing encephalopathy; Necrotizing encephalopathy infantile subacute of Leigh. Identifiers: Orphanet 506, MedGen C2931891, MONDO:0009723, OMIM 256000.

Submission:

Wong Mito Lab, Molecular and Human Genetics, Baylor College of Medicine
Classification: Uncertain significance for Leigh syndrome. Last evaluated: 2019-10-17. Review status: criteria provided, single submitter. Criteria: Modified ACMG Guidelines (Unpublished). Collection method: clinical testing. Allele origin: germline.
Comment: The NC_012920.1:m.9966G>C (YP_003024032.1:p.Val254Leu) variant in MTCO3 gene is interpretated to be a Uncertain Significance variant based on the modified ACMG guidelines (unpublished). This variant meets the following evidence codes: PP6, BP4

NC_012920.1(MT-CO3):m.9966G>C

Gene: MT-CO3 (mitochondrially encoded cytochrome c oxidase III; plus strand).
Variant type: single nucleotide variant.
Genome position: chrM-9966-G-C.
Identifiers: ClinVar variation 693253 (VCV000693253.1), dbSNP rs200809063, ClinGen allele CA414804118.